The following is an entry in ClinVar:

NM_000330.4(RS1):c.184+3094G>A

Genes: CDKL5 (cyclin dependent kinase like 5; plus strand), RS1 (retinoschisin 1; minus strand). Cytogenetic location: Xp22.13.
Variant type: single nucleotide variant.
Coding change: c.184+3094G>A on transcript NM_000330.4 (MANE Select); 3094 bases into the intron after coding-DNA position 184, G replaced by A.
Molecular consequence: intron variant. On other transcripts: 3 prime UTR variant (2).
Genome position (GRCh38, 1-based): chrX:18,653,559, C>T on the plus strand (G>A on the coding strand, the complement: RS1 is on the minus strand). VCF-style: chrX-18653559-C-T. GRCh37 (hg19) VCF-style: chrX-18671679-C-T.
Other names: c.*15C>T (NM_001037343.2, NM_003159.3).
Identifiers: ClinVar variation 143766 (VCV000143766.5), dbSNP rs267608394, ClinGen allele CA170433.

ClinVar aggregate classification (germline): Likely benign. Review status: criteria provided, single submitter (1 of 4 stars). 2 submissions from 2 submitters: Likely benign (1). 1 of the submissions does not count toward it. Last evaluated 2024-07-11.

Conditions:
CDKL5 disorder. Identifiers: MedGen CN296942, MONDO:0100039.

Allele frequency attached by ClinVar (database versions not stated): ExAC 0.00006; TOPMed 0.00014.
gnomAD v4.1: 80 of 1,206,593 alleles (0.0066%); highest among the groups gnomAD compares: Non-Finnish European, 0.0077%; no homozygotes.

Submissions (2):

Centre for Population Genomics, CPG
Classification: Likely benign for CDKL5 disorder. Last evaluated: 2024-07-11. Review status: criteria provided, single submitter. Criteria: McKnight et al. (Hum Mutat. 2022). Collection method: curation. Allele origin: germline. Inheritance: X-linked inheritance.
Comment: This variant has been collected from RettBASE and curated to current modified ACMG/AMP criteria. Based on the classification scheme defined by the ClinGen Rett/Angelman-like Expert Panel for Rett/AS-like Disorders Specifications to the ACMG/AMP Variant Interpretation Guidelines VCEP 3.0, this variant is classified as likely benign. At least the following criteria are met: The allele frequency of this variant in at least one population in gnomAD is between 0.008% and 0.03% (BS1).

RettBASE
Classification: Uncertain significance. Last evaluated: 2014-03-13. Review status: no assertion criteria provided. Collection method: curation. Allele origin: unknown. Observed: 1 variant allele. Not counted in ClinVar's aggregate classification.

Literature cited by the submitters: PubMed 19241098 (cited by RettBASE).